The following is an entry in ClinVar:

NM_001605.3(AARS1):c.519T>G (p.Asp173Glu)

Gene: AARS1 (alanyl-tRNA synthetase 1; minus strand). Cytogenetic location: 16q22.1.
Variant type: single nucleotide variant.
Coding change: c.519T>G on transcript NM_001605.3 (MANE Select); coding-DNA position 519, T replaced by G.
Protein change: p.Asp173Glu; replaces aspartic acid 173 with glutamic acid.
Molecular consequence: missense variant.
Genome position (GRCh38, 1-based): chr16:70,271,933, A>C on the plus strand (T>G on the coding strand, the complement: AARS1 is on the minus strand). VCF-style: chr16-70271933-A-C. GRCh37 (hg19) VCF-style: chr16-70305836-A-C.
Other names: short protein forms D173E.
Identifiers: ClinVar variation 3359948 (VCV003359948.1).
Genomic context (GRCh38, chr16:70,271,933, plus strand): 5'-GTCGTAGTGGATCTCACTGCAAGGACCACAGGGGCCCGTGTCACCCATCTCCCAGAAGTT[A>C]TCCTTCATGTTGCCTGGGAGGATTTTGGTGTCATCCAGCCTGACAAAGGAGTAAAGATAA-3'
Protein context (NP_001596.2, residues 163-183): DTKILPGNMK[Asp173Glu]NFWEMGDTGP

ClinVar aggregate classification (germline): Uncertain significance (1 of 4 stars; one submission).

Submission:

GeneDx
Classification: Uncertain significance. Last evaluated: 2023-06-20. Review status: criteria provided, single submitter. Criteria: GeneDx Variant Classification Process June 2021. Collection method: clinical testing. Allele origin: germline. Affected: yes.
Comment: Not observed at significant frequency in large population cohorts (gnomAD); In silico analysis supports that this missense variant has a deleterious effect on protein structure/function; Has not been previously published as pathogenic or benign to our knowledge